The following is an entry in ClinVar:

NM_000018.4(ACADVL):c.277+6G>T

Gene: ACADVL (acyl-CoA dehydrogenase very long chain; plus strand). Cytogenetic location: 17p13.1.
Variant type: single nucleotide variant.
Coding change: c.277+6G>T on transcript NM_000018.4 (MANE Select); 6 bases into the intron after coding-DNA position 277, G replaced by T.
Molecular consequence: intron variant.
Genome position (GRCh38, 1-based): chr17:7,220,682, G>T. VCF-style: chr17-7220682-G-T. GRCh37 (hg19) VCF-style: chr17-7124001-G-T.
Other names: c.346+6G>T (NM_001270447.2); c.49+6G>T (NM_001270448.2); c.211+6G>T (NM_001033859.3).
Identifiers: ClinVar variation 541726 (VCV000541726.13), dbSNP rs776422793, ClinGen allele CA8337618.
Genomic context (GRCh38, chr17:7,220,682, plus strand): 5'-GTGGGAATGTTCAAAGGCCAGCTCACCACAGATCAGGTGTTCCCATACCCGTCCGGTAAG[G>T]GAAGGGATAATCAGAGCTGGGTGGGGCCAGGGTGGTTTCCCCTGCCAGCCTGGCCTGACC-3'

ClinVar aggregate classification (germline): Uncertain significance. Review status: criteria provided, multiple submitters, no conflicts (2 of 4 stars). 3 submissions from 3 submitters: Uncertain significance (2). 1 of the submissions does not count toward it. Last evaluated 2022-06-07.

Conditions:
Very long chain acyl-CoA dehydrogenase deficiency (ACADVLD). Also called: Very Long-Chain Acyl-Coenzyme A Dehydrogenase Deficiency; VLCAD Deficiency. Identifiers: Orphanet 26793, MedGen C3887523, MONDO:0008723, OMIM 201475.

Allele frequency attached by ClinVar (database versions not stated): gnomAD exomes 0.00001; ExAC 0.00002; TOPMed 0.00002; gnomAD 0.00003.
gnomAD v4.1: 15 of 1,614,126 alleles (0.00093%); highest among the groups gnomAD compares: Non-Finnish European, 0.0013%; no homozygotes.

Submissions (3):

Labcorp Genetics (formerly Invitae), Labcorp
Classification: Uncertain significance for Very long chain acyl-CoA dehydrogenase deficiency. Last evaluated: 2022-06-07. Review status: criteria provided, single submitter. Criteria: Invitae Variant Classification Sherloc (09022015). Collection method: clinical testing. Allele origin: germline.
Comment: This sequence change falls in intron 4 of the ACADVL gene. It does not directly change the encoded amino acid sequence of the ACADVL protein. It affects a nucleotide within the consensus splice site. This variant is present in population databases (rs776422793, gnomAD 0.004%). This variant has not been reported in the literature in individuals affected with ACADVL-related conditions. ClinVar contains an entry for this variant (Variation ID: 541726). Variants that disrupt the consensus splice site are a relatively common cause of aberrant splicing (PMID: 17576681, 9536098). Algorithms developed to predict the effect of sequence changes on RNA splicing suggest that this variant is not likely to affect RNA splicing. In summary, the available evidence is currently insufficient to determine the role of this variant in disease. Therefore, it has been classified as a Variant of Uncertain Significance.

Wong Mito Lab, Molecular and Human Genetics, Baylor College of Medicine
Classification: Uncertain significance for Very long chain acyl-CoA dehydrogenase deficiency. Last evaluated: 2019-11-01. Review status: criteria provided, single submitter. Criteria: ACMG Guidelines, 2015. Collection method: clinical testing. Allele origin: germline.
Comment: The NM_000018.3:c.277+6G>T (NP_000009.1:p.?) [GRCH38: NC_000017.11:g.7220682G>T] variant in ACADVL gene is interpretated to be Uncertain Significance based on ACMG guidelines (PMID: 25741868). This variant has been reported.This variant dose not meet any evidence codes reported in the ACMG guidelines.

Natera, Inc.
Classification: Uncertain significance for Very long chain acyl-CoA dehydrogenase deficiency. Last evaluated: 2019-11-11. Review status: no assertion criteria provided. Collection method: clinical testing. Allele origin: germline. Not counted in ClinVar's aggregate classification.

Literature cited by the submitters: PubMed 17576681 (cited by Labcorp Genetics (formerly Invitae), Labcorp); PubMed 9536098 (cited by Labcorp Genetics (formerly Invitae), Labcorp).